The following is an entry in ClinVar:

NM_020949.3(SLC7A14):c.931G>C (p.Val311Leu)

Genes: SLC7A14 (solute carrier family 7 member 14; minus strand), SLC7A14-AS1 (SLC7A14 antisense RNA 1; plus strand). Cytogenetic location: 3q26.2.
Variant type: single nucleotide variant.
Coding change: c.931G>C on transcript NM_020949.3 (MANE Select); coding-DNA position 931, G replaced by C.
Protein change: p.Val311Leu; replaces valine 311 with leucine.
Molecular consequence: missense variant.
Genome position (GRCh38, 1-based): chr3:170,483,498, C>G on the plus strand (G>C on the coding strand, the complement: SLC7A14 is on the minus strand). VCF-style: chr3-170483498-C-G. GRCh37 (hg19) VCF-style: chr3-170201287-C-G.
Other names: short protein forms V311L.
Identifiers: ClinVar variation 2720052 (VCV002720052.3), dbSNP rs2473371531, ClinGen allele CA355492188.
Genomic context (GRCh38, chr3:170,483,498, plus strand): 5'-ACCCATGAGCCACAAACATCTCCATGAGTGGGGATTCCGTGTCAATGGTATAATATGGCA[C>G]CATCAGAGTTAAGATCACGCTCACCTGTTAAAACAAGAGAAGACAGGGCTGGAGGTACAG-3'
Protein context (NP_066000.2, residues 301-321): VSVSVILTLM[Val311Leu]PYYTIDTESP

ClinVar aggregate classification (germline): Uncertain significance (1 of 4 stars; one submission).

Submission:

Labcorp Genetics (formerly Invitae), Labcorp
Classification: Uncertain significance. Last evaluated: 2024-06-03. Review status: criteria provided, single submitter. Criteria: Invitae Variant Classification Sherloc (09022015). Collection method: clinical testing. Allele origin: germline.
Comment: This sequence change replaces valine, which is neutral and non-polar, with leucine, which is neutral and non-polar, at codon 311 of the SLC7A14 protein (p.Val311Leu). This variant is not present in population databases (gnomAD no frequency). This variant has not been reported in the literature in individuals affected with SLC7A14-related conditions. An algorithm developed to predict the effect of missense changes on protein structure and function (PolyPhen-2) suggests that this variant is likely to be disruptive. In summary, the available evidence is currently insufficient to determine the role of this variant in disease. Therefore, it has been classified as a Variant of Uncertain Significance.